The following is an entry in ClinVar:

ClinVar aggregate classification (germline): Uncertain significance (1 of 4 stars; one submission).

Allele frequency attached by ClinVar (database versions not stated): gnomAD exomes below 0.00001; TOPMed below 0.00001.
gnomAD v4.1: 1 of 1,539,302 alleles (0.000065%); highest among the groups gnomAD compares: Non-Finnish European, 0.000088%; no homozygotes.

Submission:

GeneDx
Classification: Uncertain significance. Last evaluated: 2021-12-21. Review status: criteria provided, single submitter. Criteria: GeneDx Variant Classification Process June 2021. Collection method: clinical testing. Allele origin: germline. Affected: yes.
Comment: Not observed at significant frequency in large population cohorts (gnomAD); Has not been previously published as pathogenic or benign to our knowledge; In-silico analysis is inconclusive as to whether the variant alters gene splicing. In the absence of RNA/functional studies, the actual effect of this sequence change is unknown.

NM_001145026.2(PTPRQ):c.922C>A (p.Pro308Thr)

Gene: PTPRQ (protein tyrosine phosphatase receptor type Q; plus strand). Cytogenetic location: 12q21.31.
Variant type: single nucleotide variant.
Coding change: c.922C>A on transcript NM_001145026.2 (MANE Select); coding-DNA position 922, C replaced by A.
Protein change: p.Pro308Thr; replaces proline 308 with threonine.
Molecular consequence: missense variant.
Genome position (GRCh38, 1-based): chr12:80,468,721, C>A. VCF-style: chr12-80468721-C-A. GRCh37 (hg19) VCF-style: chr12-80862500-C-A.
Other names: short protein forms P308T.
Identifiers: ClinVar variation 1693030 (VCV001693030.2), dbSNP rs1360282986, ClinGen allele CA385879036.